The following is an entry in ClinVar:

NM_001267550.2(TTN):c.35845del (p.Val11949fs)

Gene: TTN (titin; minus strand). Cytogenetic location: 2q31.2.
Variant type: Deletion.
Coding change: c.35845del on transcript NM_001267550.2 (MANE Select); coding-DNA position 35845, one base deleted (G; older notation c.35845delG).
Protein change: p.Val11949fs; shifts the reading frame from valine 11949.
Molecular consequence: frameshift variant. On other transcripts: intron variant (5).
Genome position (GRCh38, 1-based): chr2:178,666,854, C deleted on the plus strand (G on the coding strand, the reverse complement: TTN is on the minus strand). VCF-style (leftmost placement, unchanged base first): chr2-178666853-AC-A. GRCh37 (hg19) VCF-style: chr2-179531580-AC-A.
Other names: c.13283-24537del (NM_003319.4); c.13859-24537del (NM_133437.4); c.13658-24537del (NM_133432.3); c.31483+3364del (NM_133378.4); c.34264+3364del (NM_001256850.1); short protein forms V11949fs.
Identifiers: ClinVar variation 4823756 (VCV004823756.4).
Genomic context (GRCh38, chr2:178,666,853, plus strand): 5'-ATTAAAAAGGTGACTTTCTTCCAACTTGTACCTGTTGGTGATGGTGTTTTTCTTCTTTTA[AC>A]AATAGGAGTTTCTCCCTCTGGAATGACTTCCTTGAAGACTTCAAACTCTTTAAAGATATT-3'

ClinVar aggregate classification (germline): Likely pathogenic (1 of 4 stars; one submission).

Submission:

CeGaT Center for Human Genetics Tuebingen
Classification: Likely pathogenic. Last evaluated: 2026-03-01. Review status: criteria provided, single submitter. Criteria: CeGaT Center For Human Genetics Tuebingen Variant Classification Criteria Version 2. Collection method: clinical testing. Allele origin: germline. Affected: yes. Observed: 1 variant allele.
Comment: TTN: PVS1:Strong, PM2